The following is an entry in ClinVar:

ClinVar aggregate classification (germline): Uncertain significance (1 of 4 stars; one submission).

Allele frequency attached by ClinVar (database versions not stated): TOPMed below 0.00001; gnomAD 0.00001.
gnomAD v4.1: 10 of 1,613,834 alleles (0.00062%); highest among the groups gnomAD compares: East Asian, 0.0089%; no homozygotes.

Submission:

Women's Health and Genetics/Laboratory Corporation of America, LabCorp
Classification: Uncertain significance. Last evaluated: 2023-10-11. Review status: criteria provided, single submitter. Criteria: LabCorp Variant Classification Summary - May 2015. Collection method: clinical testing. Allele origin: germline.
Comment: Variant summary: TCOF1 c.3518-5A>G alters a non-conserved nucleotide located close to a canonical splice site and therefore could affect mRNA splicing, leading to a significantly altered protein sequence. Consensus agreement among computation tools predict no significant impact on normal splicing. However, these predictions have yet to be confirmed by functional studies. This variant also occurs within the canonical splice acceptor site of an alternative transcript (NM_001371623.1: c.3518-2A>G). Because these transcripts differ by the inclusion/exclusion of a single in-frame amino acid at this location, the significance of such a change to splicing remains unclear. The variant was absent in 249750 control chromosomes. The available data on variant occurrences in the general population are insufficient to allow any conclusion about variant significance. To our knowledge, no occurrence of c.3518-5A>G in individuals affected with Treacher-Collins Syndrome 1 and no experimental evidence demonstrating its impact on protein function have been reported. No submitters have cited clinical-significance assessments for this variant to ClinVar after 2014. Based on the evidence outlined above, the variant was classified as uncertain significance.

NM_001371623.1(TCOF1):c.3518-2A>G

Gene: TCOF1 (treacle ribosome biogenesis factor 1; plus strand). Cytogenetic location: 5q32.
Variant type: single nucleotide variant.
Coding change: c.3518-2A>G on transcript NM_001371623.1 (MANE Select); the canonical splice acceptor site of the intron before coding-DNA position 3518, A replaced by G.
Molecular consequence: splice acceptor variant. On other transcripts: intron variant (3).
Genome position (GRCh38, 1-based): chr5:150,392,703, A>G. VCF-style: chr5-150392703-A-G. GRCh37 (hg19) VCF-style: chr5-149772266-A-G.
Other names: c.3518-5A>G (NM_001135243.2); c.3404-2A>G (NM_001135244.2); c.3404-5A>G (NM_001195141.2); c.3287-2A>G (NM_001135245.2); c.3287-5A>G (NM_000356.4).
Identifiers: ClinVar variation 2637667 (VCV002637667.1), dbSNP rs1323827693, ClinGen allele CA361737893.
Genomic context (GRCh38, chr5:150,392,703, plus strand): 5'-TCTGCCCTTCCCGGCTGGCAGGGGCCACCTGGGGCTACCAACAGGATACTGTGCTTCTCC[A>G]GTAGGTCCCACCCCCTCCAGGACAGAGACCCTGGTGGAGGAGACCGCAGCAGAGTCCAGC-3'